The following is an entry in ClinVar:

NM_000535.7(PMS2):c.705+13G>C

Gene: PMS2 (PMS1 homolog 2, mismatch repair system component; minus strand). Cytogenetic location: 7p22.1.
Variant type: single nucleotide variant.
Coding change: c.705+13G>C on transcript NM_000535.7 (MANE Select); 13 bases into the intron after coding-DNA position 705, G replaced by C.
Molecular consequence: intron variant.
Genome position (GRCh38, 1-based): chr7:5,999,095, C>G on the plus strand (G>C on the coding strand, the complement: PMS2 is on the minus strand). VCF-style: chr7-5999095-C-G. GRCh37 (hg19) VCF-style: chr7-6038726-C-G.
Other names: c.387+13G>C (NM_001322008.2, NM_001322007.2); c.300+13G>C (NM_001322010.2, NM_001322004.2, NM_001322003.2 and 2 more transcripts); c.133-1672G>C (NM_001322013.2); c.-229+13G>C (NM_001322012.2, NM_001322011.2); c.396+13G>C (NM_001322015.2); c.705+13G>C (NM_001322006.2, NM_001322014.2).
Identifiers: ClinVar variation 385848 (VCV000385848.1), dbSNP rs776790763, ClinGen allele CA16605357.

ClinVar aggregate classification (germline): Likely benign (1 of 4 stars; one submission).

Submission:

GeneDx
Classification: Likely benign. Last evaluated: 2016-04-29. Review status: criteria provided, single submitter. Criteria: GeneDx Variant Classification (06012015). Collection method: clinical testing. Allele origin: germline. Affected: yes.
Comment: This variant is considered likely benign or benign based on one or more of the following criteria: it is a conservative change, it occurs at a poorly conserved position in the protein, it is predicted to be benign by multiple in silico algorithms, and/or has population frequency not consistent with disease.